The following is an entry in ClinVar:

ClinVar aggregate classification (germline): Likely benign. Review status: criteria provided, multiple submitters, no conflicts (2 of 4 stars). 2 submissions from 2 submitters: Likely benign (2). Last evaluated 2018-06-19.

Allele frequency attached by ClinVar (database versions not stated): gnomAD 0.01986 and 0.02126; TOPMed 0.02336; gnomAD exomes 0.02378; 1000 Genomes Project 30x 0.04029; 1000 Genomes Project 0.04253.
gnomAD v4.1: 25,755 of 1,091,134 alleles (2.4%); highest among the groups gnomAD compares: East Asian, 11%; 631 homozygotes.

Submissions (2):

GeneDx
Classification: Likely benign. Last evaluated: 2018-06-19. Review status: criteria provided, single submitter. Criteria: GeneDx Variant Classification (06012015). Collection method: clinical testing. Allele origin: germline. Affected: yes.
Comment: This variant is considered likely benign or benign based on one or more of the following criteria: it is a conservative change, it occurs at a poorly conserved position in the protein, it is predicted to be benign by multiple in silico algorithms, and/or has population frequency not consistent with disease.

Breakthrough Genomics
Classification: Likely benign. Review status: criteria provided, single submitter. Criteria: ACMG Guidelines, 2015. Collection method: not provided. Allele origin: germline. Inheritance: Autosomal dominant inheritance. Affected: yes.

NM_000138.5(FBN1):c.6037+123A>G

Gene: FBN1 (fibrillin 1; minus strand). Cytogenetic location: 15q21.1.
Variant type: single nucleotide variant.
Coding change: c.6037+123A>G on transcript NM_000138.5 (MANE Select); 123 bases into the intron after coding-DNA position 6037, A replaced by G.
Molecular consequence: intron variant.
Genome position (GRCh38, 1-based): chr15:48,444,418, T>C on the plus strand (A>G on the coding strand, the complement: FBN1 is on the minus strand). VCF-style: chr15-48444418-T-C. GRCh37 (hg19) VCF-style: chr15-48736615-T-C.
Identifiers: ClinVar variation 674510 (VCV000674510.2), dbSNP rs2303503, ClinGen allele CA14170158.
Genomic context (GRCh38, chr15:48,444,418, plus strand): 5'-GATTAGCATGATAATTAGTGCTTCTTGTCTTGCCAGAAGGATGAGACCATGTCATACCTA[T>C]GCCCTTGCATTTGTTTCTGATAAAGTATTCCAAAATGAAGACGTCATTACAAAAATTCTC-3'